The following is an entry in ClinVar:

NM_003442.6(ZNF143):c.571-3T>C

Gene: ZNF143 (zinc finger protein 143; plus strand). Cytogenetic location: 11p15.4.
Variant type: single nucleotide variant.
Coding change: c.571-3T>C on transcript NM_003442.6 (MANE Select); 3 bases into the intron before coding-DNA position 571, T replaced by C.
Molecular consequence: intron variant.
Genome position (GRCh38, 1-based): chr11:9,479,469, T>C. VCF-style: chr11-9479469-T-C. GRCh37 (hg19) VCF-style: chr11-9501016-T-C.
Other names: c.568-3T>C (NM_001282656.2); c.478-3T>C (NM_001282657.2).
Identifiers: ClinVar variation 4699727 (VCV004699727.1).

ClinVar aggregate classification (germline): Uncertain significance (1 of 4 stars; one submission).

gnomAD v4.1: 1 of 1,610,960 alleles (0.000062%); highest among the groups gnomAD compares: East Asian, 0.0022%; no homozygotes.

Submission:

Labcorp Genetics (formerly Invitae), Labcorp
Classification: Uncertain significance. Last evaluated: 2025-10-14. Review status: criteria provided, single submitter. Criteria: Invitae Variant Classification Sherloc (09022015). Collection method: clinical testing. Allele origin: germline.
Comment: This sequence change falls in intron 6 of the ZNF143 gene. It does not directly change the encoded amino acid sequence of the ZNF143 protein. It affects a nucleotide within the consensus splice site. This variant is not present in population databases (gnomAD no frequency). This variant has not been reported in the literature in individuals affected with ZNF143-related conditions. Variants that disrupt the consensus splice site are a relatively common cause of aberrant splicing (PMID: 17576681, 9536098). Algorithms developed to predict the effect of sequence changes on RNA splicing suggest that this variant is not likely to affect RNA splicing. In summary, the available evidence is currently insufficient to determine the role of this variant in disease. Therefore, it has been classified as a Variant of Uncertain Significance.

Literature cited by the submitters: PubMed 17576681; PubMed 9536098.